The following is an entry in ClinVar:

NM_014634.4(PPM1F):c.937A>G (p.Met313Val)

Gene: PPM1F (protein phosphatase, Mg2+/Mn2+ dependent 1F; minus strand). Cytogenetic location: 22q11.22.
Variant type: single nucleotide variant.
Coding change: c.937A>G on transcript NM_014634.4 (MANE Select); coding-DNA position 937, A replaced by G.
Protein change: p.Met313Val; replaces methionine 313 with valine.
Molecular consequence: missense variant.
Genome position (GRCh38, 1-based): chr22:21,925,617, T>C on the plus strand (A>G on the coding strand, the complement: PPM1F is on the minus strand). VCF-style: chr22-21925617-T-C. GRCh37 (hg19) VCF-style: chr22-22279990-T-C.
Other names: c.433A>G, p.Met145Val (NM_001410836.1); short protein forms M145V, M313V.
Identifiers: ClinVar variation 3604140 (VCV003604140.2).
Genomic context (GRCh38, chr22:21,925,617, plus strand): 5'-TTTGGCTCTCACCGATGGCTCTGGAGACGGCCAGGGTCCCGTTGACTCTCCAGCAGTCCA[T>C]GTGAGACACAAAGCCACCCAATGCTTCAATGCGCGCCTTCTCATCCTGCAGAAACACAGC-3'
Protein context (NP_055449.1, residues 303-323): IEALGGFVSH[Met313Val]DCWRVNGTLA

ClinVar aggregate classification (germline): Uncertain significance (1 of 4 stars; one submission).

gnomAD v4.1: 47 of 1,608,256 alleles (0.0029%); highest among the groups gnomAD compares: South Asian, 0.015%; no homozygotes.

Submission:

Labcorp Genetics (formerly Invitae), Labcorp
Classification: Uncertain significance. Last evaluated: 2024-09-12. Review status: criteria provided, single submitter. Criteria: Invitae Variant Classification Sherloc (09022015). Collection method: clinical testing. Allele origin: germline.
Comment: This sequence change replaces methionine, which is neutral and non-polar, with valine, which is neutral and non-polar, at codon 313 of the PPM1F protein (p.Met313Val). This variant is present in population databases (rs374278330, gnomAD 0.01%). This variant has not been reported in the literature in individuals affected with PPM1F-related conditions. An algorithm developed to predict the effect of missense changes on protein structure and function outputs the following: PolyPhen-2: "Benign". The valine amino acid residue is found in multiple mammalian species, which suggests that this missense change does not adversely affect protein function. In summary, the available evidence is currently insufficient to determine the role of this variant in disease. Therefore, it has been classified as a Variant of Uncertain Significance.